The following is an entry in ClinVar:

NM_000786.4(CYP51A1):c.829C>T (p.Arg277Cys)

Gene: CYP51A1 (cytochrome P450 family 51 subfamily A member 1; minus strand). Cytogenetic location: 7q21.2.
Variant type: single nucleotide variant.
Coding change: c.829C>T on transcript NM_000786.4 (MANE Select); coding-DNA position 829, C replaced by T.
Protein change: p.Arg277Cys; replaces arginine 277 with cysteine.
Molecular consequence: missense variant.
Genome position (GRCh38, 1-based): chr7:92,123,795, G>A on the plus strand (C>T on the coding strand, the complement: CYP51A1 is on the minus strand). VCF-style: chr7-92123795-G-A. GRCh37 (hg19) VCF-style: chr7-91753109-G-A.
Other names: c.514C>T, p.Arg172Cys (NM_001146152.2); c.829C>T (NM_000786.3); short protein forms R172C, R277C.
Identifiers: ClinVar variation 1367270 (VCV001367270.8), dbSNP rs944015648, ClinGen allele CA161915688.

ClinVar aggregate classification (germline): Uncertain significance. Review status: criteria provided, multiple submitters, no conflicts (2 of 4 stars). 2 submissions from 2 submitters: Uncertain significance (2). Last evaluated 2023-10-26.

Allele frequency attached by ClinVar (database versions not stated): gnomAD 0.00001; gnomAD exomes 0.00001; TOPMed 0.00002.

Submissions (2):

GeneDx
Classification: Uncertain significance. Last evaluated: 2023-10-26. Review status: criteria provided, single submitter. Criteria: GeneDx Variant Classification Process June 2021. Collection method: clinical testing. Allele origin: germline. Affected: yes.
Comment: In silico analysis supports that this missense variant has a deleterious effect on protein structure/function; This variant is associated with the following publications: (PMID: 22935719)

Labcorp Genetics (formerly Invitae), Labcorp
Classification: Uncertain significance. Last evaluated: 2021-07-08. Review status: criteria provided, single submitter. Criteria: Invitae Variant Classification Sherloc (09022015). Collection method: clinical testing. Allele origin: germline.
Comment: This sequence change replaces arginine with cysteine at codon 277 of the CYP51A1 protein (p.Arg277Cys). The arginine residue is highly conserved and there is a large physicochemical difference between arginine and cysteine. This variant is not present in population databases (ExAC no frequency). This variant has been observed in individual(s) with clinical features of CYP51A1-related conditions (PMID: 22935719). Algorithms developed to predict the effect of missense changes on protein structure and function (SIFT, PolyPhen-2, Align-GVGD) all suggest that this variant is likely to be disruptive. In summary, the available evidence is currently insufficient to determine the role of this variant in disease. Therefore, it has been classified as a Variant of Uncertain Significance.

Literature cited by the submitters: PubMed 22935719 (cited by Labcorp Genetics (formerly Invitae), Labcorp).